The following is an entry in ClinVar:

NM_000271.5(NPC1):c.1947+8G>C

Gene: NPC1 (NPC intracellular cholesterol transporter 1; minus strand). Cytogenetic location: 18q11.2.
Variant type: single nucleotide variant.
Coding change: c.1947+8G>C on transcript NM_000271.5 (MANE Select); 8 bases into the intron after coding-DNA position 1947, G replaced by C.
Molecular consequence: intron variant.
Genome position (GRCh38, 1-based): chr18:23,544,952, C>G on the plus strand (G>C on the coding strand, the complement: NPC1 is on the minus strand). VCF-style: chr18-23544952-C-G. GRCh37 (hg19) VCF-style: chr18-21124916-C-G.
Identifiers: ClinVar variation 92705 (VCV000092705.22), dbSNP rs66620415, ClinGen allele CA220559.
Genomic context (GRCh38, chr18:23,544,952, plus strand): 5'-AAAAATATGACGTTACACTGTGCACTGCTGTTAACCTCTAGAACATACACCACCCCCCCC[C>G]GGCTTACCAGAAGCCTGCGACAGCTTTTCATGTGCCCCAAGGCTAGGGAAATATATAGAA-3'

ClinVar aggregate classification (germline): Conflicting classifications of pathogenicity. Review status: criteria provided, conflicting classifications (1 of 4 stars). 5 submissions from 5 submitters: Uncertain significance (1); Benign (2); Likely benign (2). Last evaluated 2026-01-26.

Conditions:
Niemann-Pick disease, type C1. Also called: NIEMANN-PICK DISEASE, VARIANT TYPE C1; NEUROVISCERAL STORAGE DISEASE WITH VERTICAL SUPRANUCLEAR OPHTHALMOPLEGIA; NIEMANN-PICK DISEASE WITH CHOLESTEROL ESTERIFICATION BLOCK; NIEMANN-PICK DISEASE WITHOUT SPHINGOMYELINASE DEFICIENCY; NIEMANN-PICK DISEASE, CHRONIC NEURONOPATHIC FORM. Identifiers: Orphanet 646, MedGen C3179455, MONDO:0009757, OMIM 257220.

Allele frequency attached by ClinVar (database versions not stated): gnomAD exomes 0.00078.

Submissions (5):

Labcorp Genetics (formerly Invitae), Labcorp
Classification: Likely benign for Niemann-Pick disease, type C1. Last evaluated: 2026-01-26. Review status: criteria provided, single submitter. Criteria: Invitae Variant Classification Sherloc (09022015). Collection method: clinical testing. Allele origin: germline.

Laboratory of Genetics, Children's Clinical University Hospital Latvia
Classification: Likely benign. Last evaluated: 2025-02-16. Review status: criteria provided, single submitter. Criteria: ACMG Guidelines, 2015. Collection method: clinical testing. Allele origin: germline. Affected: yes.

Women's Health and Genetics/Laboratory Corporation of America, LabCorp
Classification: Benign. Last evaluated: 2019-05-02. Review status: criteria provided, single submitter. Criteria: LabCorp Variant Classification Summary - May 2015. Collection method: clinical testing. Allele origin: germline.
Comment: Variant summary: NPC1 c.1947+8G>C alters a non-conserved nucleotide located close to a canonical splice site and therefore could affect mRNA splicing, leading to a significantly altered protein sequence. 5/5 computational tools predict no significant impact on normal splicing. However, these predictions have yet to be confirmed by functional studies. The variant allele was found at a frequency of 0.00078 in 240878 control chromosomes, predominantly at a frequency of 0.0032 within the Latino subpopulation in the gnomAD database. The observed variant frequency within Latino control individuals in the gnomAD database is approximately 1.15 fold of the estimated maximal expected allele frequency for a pathogenic variant in NPC1 causing Niemann-Pick Disease Type C phenotype (0.0028), strongly suggesting that the variant is a benign polymorphism found primarily in populations of Latino origin. Two ClinVar submissions from clinical diagnostic laboratories (evaluation after 2014) cites the variant as likely benign and benign. Based on the evidence outlined above, the variant was classified as benign.

Illumina Laboratory Services, Illumina
Classification: Uncertain significance for Niemann-Pick disease type C1. Last evaluated: 2017-05-30. Review status: criteria provided, single submitter. Criteria: ICSL Variant Classification Criteria 13 December 2019. Collection method: clinical testing. Allele origin: germline.
Comment: This variant was observed as part of a predisposition screen in an ostensibly healthy population. A literature search was performed for the gene, cDNA change, and amino acid change (where applicable). Publications were found based on this search. However, the evidence from the literature, in combination with allele frequency data from public databases where available, was not sufficient to rule this variant in or out of causing disease. Therefore, this variant is classified as a variant of unknown significance.

Eurofins Ntd Llc (ga)
Classification: Benign. Last evaluated: 2015-09-22. Review status: criteria provided, single submitter. Criteria: EGL Classification Definitions 2015. Collection method: clinical testing. Allele origin: germline. Observed: 2 variant alleles, 2 heterozygotes.

Literature cited by the submitters: PubMed 27792009 (cited by Illumina Laboratory Services, Illumina); PubMed 21245028 (cited by Illumina Laboratory Services, Illumina).